The following is an entry in ClinVar:

NM_000321.3(RB1):c.394T>C (p.Phe132Leu)

Gene: RB1 (RB transcriptional corepressor 1; plus strand). Cytogenetic location: 13q14.2.
Variant type: single nucleotide variant.
Coding change: c.394T>C on transcript NM_000321.3 (MANE Select); coding-DNA position 394, T replaced by C.
Protein change: p.Phe132Leu; replaces phenylalanine 132 with leucine.
Molecular consequence: missense variant.
Genome position (GRCh38, 1-based): chr13:48,345,093, T>C. VCF-style: chr13-48345093-T-C. GRCh37 (hg19) VCF-style: chr13-48919229-T-C.
Other names: c.394T>C, p.Phe132Leu (NM_001407165.1, NM_001407166.1); short protein forms F132L.
Identifiers: ClinVar variation 2062075 (VCV002062075.4), dbSNP rs2542159207, ClinGen allele CA388252622.

ClinVar aggregate classification (germline): Uncertain significance (1 of 4 stars; one submission).

Conditions:
Retinoblastoma (RB1). Also called: RETINOBLASTOMA, SOMATIC. Identifiers: Orphanet 790, MedGen C0035335, MeSH D012175, MONDO:0008380, OMIM 180200, HP:0009919. Disease mechanism: loss of function. Inheritance: Both sporadic and heritable forms are tested..

Submission:

Labcorp Genetics (formerly Invitae), Labcorp
Classification: Uncertain significance for Retinoblastoma. Last evaluated: 2025-05-28. Review status: criteria provided, single submitter. Criteria: Invitae Variant Classification Sherloc (09022015). Collection method: clinical testing. Allele origin: germline.
Comment: This sequence change replaces phenylalanine, which is neutral and non-polar, with leucine, which is neutral and non-polar, at codon 132 of the RB1 protein (p.Phe132Leu). This variant is not present in population databases (gnomAD no frequency). This variant has not been reported in the literature in individuals affected with RB1-related conditions. ClinVar contains an entry for this variant (Variation ID: 2062075). Invitae Evidence Modeling of protein sequence and biophysical properties (such as structural, functional, and spatial information, amino acid conservation, physicochemical variation, residue mobility, and thermodynamic stability) indicates that this missense variant is not expected to disrupt RB1 protein function with a negative predictive value of 80%. In summary, the available evidence is currently insufficient to determine the role of this variant in disease. Therefore, it has been classified as a Variant of Uncertain Significance.